The following is an entry in ClinVar:

ClinVar aggregate classification (germline): Uncertain significance. Review status: criteria provided, multiple submitters, no conflicts (2 of 4 stars). 3 submissions from 3 submitters: Uncertain significance (3). Last evaluated 2022-10-13.

Conditions:
Glycogen storage disease IXb (GSD9B). Also called: GSD IXb; PHOSPHORYLASE KINASE DEFICIENCY OF LIVER AND MUSCLE, AUTOSOMAL RECESSIVE; GLYCOGENOSIS OF LIVER AND MUSCLE, AUTOSOMAL RECESSIVE. Identifiers: Orphanet 79240, MedGen C0543514, MONDO:0009868, OMIM 261750.
Inborn genetic diseases. Identifiers: MedGen C0950123, MeSH D030342.

Allele frequency attached by ClinVar (database versions not stated): ExAC 0.00020; gnomAD 0.00034 and 0.00036; TOPMed 0.00036; 1000 Genomes Project 30x 0.00047; ESP Exome Variant Server 0.00054; 1000 Genomes Project 0.00060.
gnomAD v4.1: 144 of 1,613,674 alleles (0.0089%); highest among the groups gnomAD compares: African/African-American, 0.13%; no homozygotes.

Submissions (3):

Labcorp Genetics (formerly Invitae), Labcorp
Classification: Uncertain significance for Glycogen storage disease IXb. Last evaluated: 2022-10-13. Review status: criteria provided, single submitter. Criteria: Invitae Variant Classification Sherloc (09022015). Collection method: clinical testing. Allele origin: germline.
Comment: This sequence change replaces arginine, which is basic and polar, with glutamine, which is neutral and polar, at codon 429 of the PHKB protein (p.Arg429Gln). This variant is present in population databases (rs141379798, gnomAD 0.1%). This variant has not been reported in the literature in individuals affected with PHKB-related conditions. Algorithms developed to predict the effect of missense changes on protein structure and function (SIFT, PolyPhen-2, Align-GVGD) all suggest that this variant is likely to be tolerated. In summary, the available evidence is currently insufficient to determine the role of this variant in disease. Therefore, it has been classified as a Variant of Uncertain Significance.

Ambry Genetics
Classification: Uncertain significance for Inborn genetic diseases. Last evaluated: 2022-01-26. Review status: criteria provided, single submitter. Criteria: Ambry Variant Classification Scheme 2023. Collection method: clinical testing. Allele origin: germline.

Fulgent Genetics
Classification: Uncertain significance for Glycogen storage disease IXb. Last evaluated: 2021-09-01. Review status: criteria provided, single submitter. Criteria: ACMG Guidelines, 2015. Collection method: clinical testing. Allele origin: unknown.

NM_000293.3(PHKB):c.1286G>A (p.Arg429Gln)

Gene: PHKB (phosphorylase kinase regulatory subunit beta; plus strand). Cytogenetic location: 16q12.1.
Variant type: single nucleotide variant.
Coding change: c.1286G>A on transcript NM_000293.3 (MANE Select); coding-DNA position 1286, G replaced by A.
Protein change: p.Arg429Gln; replaces arginine 429 with glutamine.
Molecular consequence: missense variant.
Genome position (GRCh38, 1-based): chr16:47,596,454, G>A. VCF-style: chr16-47596454-G-A. GRCh37 (hg19) VCF-style: chr16-47630365-G-A.
Other names: c.1265G>A, p.Arg422Gln (NM_001031835.3); c.1286G>A, p.Arg429Gln (NM_001363837.1); c.1286G>A (NM_000293.2); short protein forms R422Q, R429Q.
Identifiers: ClinVar variation 1022192 (VCV001022192.8), dbSNP rs141379798, ClinGen allele CA8040761.
Genomic context (GRCh38, chr16:47,596,454, plus strand): 5'-ACTATTATGTGCCAGCTGACTTTGTAGAATATGAAAAAAATAACCCTGGTAGTCAAAAAC[G>A]ATTTCCTAGCAACTGTGGCCGTGATGGAAAACTGTTTCTTTGGGGACAAGCACTTTATAT-3'
Protein context (NP_000284.1, residues 419-439): YEKNNPGSQK[Arg429Gln]FPSNCGRDGK